The following is an entry in ClinVar:

ClinVar aggregate classification (germline): Pathogenic. Review status: criteria provided, multiple submitters, no conflicts (2 of 4 stars). 4 submissions from 4 submitters: Pathogenic (4). Last evaluated 2026-05-13.

Conditions:
COL1A1-related disorder. Also called: COL1A1- related disease; COL1A1-related condition.
Osteogenesis imperfecta type I (OI1). Also called: OI, TYPE I; OSTEOGENESIS IMPERFECTA TARDA; OSTEOGENESIS IMPERFECTA WITH BLUE SCLERAE; Classic Non-deforming Osteogenesis Imperfecta with Blue Sclerae; Osteogenesis imperfecta type 1; Lobstein's Disease. Identifiers: Orphanet 216796, Orphanet 666, MedGen C0023931, MONDO:0008146, OMIM 166200. Disease mechanism: loss of function.

Submissions (5):

PreventionGenetics, part of Exact Sciences
Classification: Pathogenic for COL1A1-related condition. Last evaluated: 2026-05-13. Review status: criteria provided, single submitter. Criteria: ACMG Guidelines, 2015. Collection method: clinical testing. Allele origin: germline.
Comment: The COL1A1 c.697-1G>A variant is predicted to disrupt the AG splice acceptor site and interfere with normal splicing. This variant has been reported in the heterozygous state in individuals with osteogenesis imperfecta (Higuchi et al. 2021. PubMed ID: 33939306; Table S3, Schleit et al. 2015. PubMed ID: 25963598). This variant has not been reported in a large population database (gnomAD), indicating this variant is rare. Other variants that affect the same canonical splice site, such as c.697-1G>C and c.697-1G>T, have been reported in individuals with osteogenesis imperfecta (for example, McInerney-Leo et al. 2013. PubMed ID: 24501682; Table S3, Schleit et al. 2015. PubMed ID: 25963598; Supplementary Table 1a, Lin et al. 2023. PubMed ID: 37270749). Variants that disrupt the consensus splice acceptor site in COL1A1 are expected to be pathogenic. This variant is interpreted as pathogenic.

Labcorp Genetics (formerly Invitae), Labcorp
Classification: Pathogenic for Osteogenesis imperfecta type I. Last evaluated: 2025-02-04. Review status: criteria provided, single submitter. Criteria: Invitae Variant Classification Sherloc (09022015). Collection method: clinical testing. Allele origin: germline.
Comment: This sequence change affects an acceptor splice site in intron 9 of the COL1A1 gene. It is expected to disrupt RNA splicing. Variants that disrupt the donor or acceptor splice site typically lead to a loss of protein function (PMID: 16199547), and loss-of-function variants in COL1A1 are known to be pathogenic (PMID: 7942841, 9295084, 9443882). This variant is not present in population databases (gnomAD no frequency). Disruption of this splice site has been observed in individuals with osteogenesis imperfecta type 1 (PMID: 17078022, 24501682, 25963598, 27509835). ClinVar contains an entry for this variant (Variation ID: 581729). Algorithms developed to predict the effect of sequence changes on RNA splicing suggest that this variant may disrupt the consensus splice site. For these reasons, this variant has been classified as Pathogenic.

GeneDx
Classification: Pathogenic. Last evaluated: 2025-01-06. Review status: criteria provided, single submitter. Criteria: GeneDx Variant Classification Process June 2021. Collection method: clinical testing. Allele origin: germline. Affected: yes.
Comment: Damages or destroys the splice acceptor site in intron 9, and is expected to cause abnormal gene splicing; if the splice outcome is exon skip, the loss of the encoded residues in the triple helical region is expected to disrupt normal protein folding and function, and this is an established mechanism of disease (HGMD); Not observed at significant frequency in large population cohorts (gnomAD); This variant is associated with the following publications: (PMID: 33939306, 25963598, 24501682)

Blueprint Genetics
Classification: Pathogenic for COL1A1-related disorders. Last evaluated: 2021-09-20. Review status: criteria provided, single submitter. Criteria: ACMG Guidelines, 2015. Collection method: clinical testing. Allele origin: germline. Affected: yes. Observed: 1 variant allele.

Dr. Peter K. Rogan Lab, Western University
No classification provided (evidence only). Condition: Familial cancer of breast. Review status: no classification provided. Collection method: in vitro. Allele origin: not applicable. Functional consequence: retained intron. Not counted in ClinVar's aggregate classification.

Literature cited by the submitters: PubMed 16199547 (cited by Labcorp Genetics (formerly Invitae), Labcorp); PubMed 7942841 (cited by Labcorp Genetics (formerly Invitae), Labcorp); PubMed 9295084 (cited by Labcorp Genetics (formerly Invitae), Labcorp); PubMed 9443882 (cited by Labcorp Genetics (formerly Invitae), Labcorp); PubMed 17078022 (cited by Labcorp Genetics (formerly Invitae), Labcorp); PubMed 24501682 (cited by Labcorp Genetics (formerly Invitae), Labcorp); PubMed 25963598 (cited by Labcorp Genetics (formerly Invitae), Labcorp); PubMed 27509835 (cited by Labcorp Genetics (formerly Invitae), Labcorp).

NM_000088.4(COL1A1):c.697-1G>A

Genes: COL1A1 (collagen type I alpha 1 chain; minus strand), LOC126862586 (CDK7 strongly-dependent group 2 enhancer GRCh37_chr17:48273702-48274901; plus strand). Cytogenetic location: 17q21.33.
Variant type: single nucleotide variant.
Coding change: c.697-1G>A on transcript NM_000088.4 (MANE Select); the canonical splice acceptor site of the intron before coding-DNA position 697, G replaced by A.
Molecular consequence: splice acceptor variant.
Genome position (GRCh38, 1-based): chr17:50,197,234, C>T on the plus strand (G>A on the coding strand, the complement: COL1A1 is on the minus strand). VCF-style: chr17-50197234-C-T. GRCh37 (hg19) VCF-style: chr17-48274595-C-T.
Identifiers: ClinVar variation 581729 (VCV000581729.13), dbSNP rs67163049, ClinGen allele CA400224346.